The following is an entry in ClinVar:

ClinVar aggregate classification (germline): Uncertain significance. Review status: criteria provided, multiple submitters, no conflicts (2 of 4 stars). 2 submissions from 2 submitters: Uncertain significance (2). Last evaluated 2022-02-10.

Conditions:
Hyper-IgM syndrome type 5 (HIGM5). Also called: Hyper-IgM Immunodeficiency Syndrome, Type 5. Identifiers: Orphanet 101092, MedGen C1720958, MONDO:0011971, OMIM 608106.

Allele frequency attached by ClinVar (database versions not stated): TOPMed below 0.00001; gnomAD 0.00001; gnomAD exomes 0.00001; ExAC 0.00004.
gnomAD v4.1: 15 of 1,568,202 alleles (0.00096%); highest among the groups gnomAD compares: Admixed American, 0.0019%; no homozygotes.

Submissions (2):

Labcorp Genetics (formerly Invitae), Labcorp
Classification: Uncertain significance for Hyper-IgM syndrome type 5. Last evaluated: 2022-02-10. Review status: criteria provided, single submitter. Criteria: Invitae Variant Classification Sherloc (09022015). Collection method: clinical testing. Allele origin: germline.
Comment: This sequence change replaces glutamine, which is neutral and polar, with proline, which is neutral and non-polar, at codon 29 of the UNG protein (p.Gln29Pro). This variant is present in population databases (rs765512122, gnomAD 0.004%). This variant has not been reported in the literature in individuals affected with UNG-related conditions. ClinVar contains an entry for this variant (Variation ID: 880879). Algorithms developed to predict the effect of missense changes on protein structure and function output the following: SIFT: "Tolerated"; PolyPhen-2: "Benign"; Align-GVGD: "Class C0". The proline amino acid residue is found in multiple mammalian species, which suggests that this missense change does not adversely affect protein function. In summary, the available evidence is currently insufficient to determine the role of this variant in disease. Therefore, it has been classified as a Variant of Uncertain Significance.

Illumina Laboratory Services, Illumina
Classification: Uncertain significance for Hyper-IgM syndrome type 5. Last evaluated: 2018-01-12. Review status: criteria provided, single submitter. Criteria: ICSL Variant Classification Criteria 13 December 2019. Collection method: clinical testing. Allele origin: germline.

NM_080911.3(UNG):c.86A>C (p.Gln29Pro)

Gene: UNG (uracil DNA glycosylase; plus strand). Cytogenetic location: 12q24.11.
Variant type: single nucleotide variant.
Coding change: c.86A>C on transcript NM_080911.3 (MANE Select); coding-DNA position 86, A replaced by C.
Protein change: p.Gln29Pro; replaces glutamine 29 with proline.
Molecular consequence: missense variant.
Genome position (GRCh38, 1-based): chr12:109,097,765, A>C. VCF-style: chr12-109097765-A-C. GRCh37 (hg19) VCF-style: chr12-109535570-A-C.
Other names: short protein forms Q29P.
Identifiers: ClinVar variation 880879 (VCV000880879.8), dbSNP rs765512122, ClinGen allele CA6772445.